The following is an entry in ClinVar:

NM_001080449.3(DNA2):c.2996G>A (p.Arg999His)

Gene: DNA2 (DNA replication helicase/nuclease 2; minus strand). Cytogenetic location: 10q21.3.
Variant type: single nucleotide variant.
Coding change: c.2996G>A on transcript NM_001080449.3 (MANE Select); coding-DNA position 2996, G replaced by A.
Protein change: p.Arg999His; replaces arginine 999 with histidine.
Molecular consequence: missense variant. On other transcripts: non-coding transcript variant (1).
Genome position (GRCh38, 1-based): chr10:68,416,827, C>T on the plus strand (G>A on the coding strand, the complement: DNA2 is on the minus strand). VCF-style: chr10-68416827-C-T. GRCh37 (hg19) VCF-style: chr10-70176584-C-T.
Other names: c.2996G>A (NM_001080449.2); short protein forms R999H.
Identifiers: ClinVar variation 2904284 (VCV002904284.4), dbSNP rs762645132, ClinGen allele CA5524684.
Genomic context (GRCh38, chr10:68,416,827, plus strand): 5'-GAGGGCACACACCCCAGAAGAATCAGTTTATGTTTGGCTCTGGTTATAGCAACATTAAGA[C>T]GTCGCCAATCTTTCAAGAGTTCACCAACCTGTAAGAAATATAATTTTCAATTATTCAAGT-3'
Protein context (NP_001073918.2, residues 989-1009): TVGELLKDWR[Arg999His]LNVAITRAKH

ClinVar aggregate classification (germline): Uncertain significance. Review status: criteria provided, multiple submitters, no conflicts (2 of 4 stars). 2 submissions from 2 submitters: Uncertain significance (2). Last evaluated 2026-03-04.

Allele frequency attached by ClinVar (database versions not stated): ExAC 0.00001; gnomAD exomes 0.00001; gnomAD 0.00002; TOPMed 0.00004.
gnomAD v4.1: 23 of 1,609,918 alleles (0.0014%); highest among the groups gnomAD compares: East Asian, 0.0067%; no homozygotes.

Submissions (2):

GeneDx
Classification: Uncertain significance. Last evaluated: 2026-03-04. Review status: criteria provided, single submitter. Criteria: GeneDx Variant Classification Process June 2021. Collection method: clinical testing. Allele origin: germline.
Comment: Reported as heterozygous in an individual with Charcot-Marie-Tooth type 2T who was also heterozygous for a variant in MME (PMID: 41538925); In silico analysis supports that this missense variant has a deleterious effect on protein structure/function; This variant is associated with the following publications: (PMID: 41538925)

Labcorp Genetics (formerly Invitae), Labcorp
Classification: Uncertain significance. Last evaluated: 2025-06-02. Review status: criteria provided, single submitter. Criteria: Invitae Variant Classification Sherloc (09022015). Collection method: clinical testing. Allele origin: germline.
Comment: This sequence change replaces arginine, which is basic and polar, with histidine, which is basic and polar, at codon 999 of the DNA2 protein (p.Arg999His). This variant is present in population databases (rs762645132, gnomAD 0.01%). This variant has not been reported in the literature in individuals affected with DNA2-related conditions. ClinVar contains an entry for this variant (Variation ID: 2904284). Invitae Evidence Modeling of protein sequence and biophysical properties (such as structural, functional, and spatial information, amino acid conservation, physicochemical variation, residue mobility, and thermodynamic stability) indicates that this missense variant is expected to disrupt DNA2 protein function with a positive predictive value of 80%. In summary, the available evidence is currently insufficient to determine the role of this variant in disease. Therefore, it has been classified as a Variant of Uncertain Significance.